The following is an entry in ClinVar:

ClinVar aggregate classification (germline): Uncertain significance (1 of 4 stars; one submission).

Conditions:
Early-infantile DEE. Also called: Ohtahara syndrome; Early infantile epileptic encephalopathy with suppression bursts; Early infantile epileptic encephalopathy. Identifiers: Orphanet 1934, MedGen C0393706, MONDO:0800491.

Allele frequency attached by ClinVar (database versions not stated): gnomAD exomes below 0.00001; ExAC 0.00001.
gnomAD v4.1: 3 of 1,614,220 alleles (0.00019%); highest among the groups gnomAD compares: African/African-American, 0.0013%; no homozygotes.

Submission:

Labcorp Genetics (formerly Invitae), Labcorp
Classification: Uncertain significance for Early-infantile DEE. Last evaluated: 2025-09-27. Review status: criteria provided, single submitter. Criteria: Invitae Variant Classification Sherloc (09022015). Collection method: clinical testing. Allele origin: germline.
Comment: This sequence change replaces isoleucine, which is neutral and non-polar, with threonine, which is neutral and polar, at codon 690 of the SPTAN1 protein (p.Ile690Thr). This variant is present in population databases (rs770314406, gnomAD 0.006%). This variant has not been reported in the literature in individuals affected with SPTAN1-related conditions. ClinVar contains an entry for this variant (Variation ID: 2159414). Invitae Evidence Modeling of protein sequence and biophysical properties (such as structural, functional, and spatial information, amino acid conservation, physicochemical variation, residue mobility, and thermodynamic stability) has been performed for this missense variant. However, the output from this modeling did not meet the statistical confidence thresholds required to predict the impact of this variant on SPTAN1 protein function. In summary, the available evidence is currently insufficient to determine the role of this variant in disease. Therefore, it has been classified as a Variant of Uncertain Significance.

NM_001130438.3(SPTAN1):c.2069T>C (p.Ile690Thr)

Gene: SPTAN1 (spectrin alpha, non-erythrocytic 1; plus strand). Cytogenetic location: 9q34.11.
Variant type: single nucleotide variant.
Coding change: c.2069T>C on transcript NM_001130438.3 (MANE Select); coding-DNA position 2069, T replaced by C.
Protein change: p.Ile690Thr; replaces isoleucine 690 with threonine.
Molecular consequence: missense variant.
Genome position (GRCh38, 1-based): chr9:128,583,845, T>C. VCF-style: chr9-128583845-T-C. GRCh37 (hg19) VCF-style: chr9-131346124-T-C.
Other names: c.2069T>C, p.Ile690Thr (NM_001195532.2, NM_001363759.2, NM_001363765.2 and 5 more transcripts); c.2105T>C, p.Ile702Thr (NM_001375312.2, NM_001375318.1); short protein forms I690T, I702T.
Identifiers: ClinVar variation 2159414 (VCV002159414.4), dbSNP rs770314406, ClinGen allele CA5264568.